The following is an entry in ClinVar:

ClinVar aggregate classification (germline): Pathogenic. Review status: criteria provided, multiple submitters, no conflicts (2 of 4 stars). 2 submissions from 2 submitters: Pathogenic (2). Last evaluated 2025-10-06.

Conditions:
Hereditary cancer-predisposing syndrome. Also called: Neoplastic Syndromes, Hereditary; Tumor predisposition; Hereditary Cancer Syndrome; Hereditary neoplastic syndrome. Identifiers: Orphanet 140162, MedGen C0027672, MeSH D009386, MONDO:0015356.
Parathyroid carcinoma (PRTC). Also called: CDC73-Related Parathyroid Carcinoma; Parathyroid gland carcinoma. Identifiers: Orphanet 143, MedGen C0687150, MONDO:0012004, OMIM 608266, HP:0006780.

Submissions (2):

Ambry Genetics
Classification: Pathogenic for Hereditary cancer-predisposing syndrome. Last evaluated: 2025-10-06. Review status: criteria provided, single submitter. Criteria: Ambry Variant Classification Scheme 2023. Collection method: clinical testing. Allele origin: germline.
Comment: The p.W32* variant (also known as c.96G>A), located in coding exon 1 of the CDC73 gene, results from a G to A substitution at nucleotide position 96. This changes the amino acid from a tryptophan to a stop codon within coding exon 1. This variant was reported in individual(s) with features consistent with CDC73-related disorders (Li Y et al. Endocr Relat Cancer, 2020 Sep;27:483-494; Ambry internal data). This variant is considered to be rare based on population cohorts in the Genome Aggregation Database (gnomAD). This alteration is expected to result in loss of function by premature protein truncation or nonsense-mediated mRNA decay. As such, this alteration is interpreted as a disease-causing mutation.

Labcorp Genetics (formerly Invitae), Labcorp
Classification: Pathogenic for Parathyroid carcinoma. Last evaluated: 2025-03-05. Review status: criteria provided, single submitter. Criteria: Invitae Variant Classification Sherloc (09022015). Collection method: clinical testing. Allele origin: germline.
Comment: This sequence change creates a premature translational stop signal (p.Trp32*) in the CDC73 gene. It is expected to result in an absent or disrupted protein product. Loss-of-function variants in CDC73 are known to be pathogenic (PMID: 12434154). This variant is not present in population databases (gnomAD no frequency). This premature translational stop signal has been observed in individual(s) with CDC73-related conditions (PMID: 18436011, 22302605). For these reasons, this variant has been classified as Pathogenic.

Literature cited by the submitters: PubMed 32590342 (cited by Ambry Genetics); PubMed 12434154 (cited by Labcorp Genetics (formerly Invitae), Labcorp); PubMed 18436011 (cited by Labcorp Genetics (formerly Invitae), Labcorp); PubMed 22302605 (cited by Labcorp Genetics (formerly Invitae), Labcorp).

NM_024529.5(CDC73):c.96G>A (p.Trp32Ter)

Gene: CDC73 (cell division cycle 73; plus strand). Cytogenetic location: 1q31.2.
Variant type: single nucleotide variant.
Coding change: c.96G>A on transcript NM_024529.5 (MANE Select); coding-DNA position 96, G replaced by A.
Protein change: p.Trp32Ter; replaces tryptophan 32 with a stop codon.
Molecular consequence: nonsense.
Genome position (GRCh38, 1-based): chr1:193,122,296, G>A. VCF-style: chr1-193122296-G-A. GRCh37 (hg19) VCF-style: chr1-193091426-G-A.
Other names: short protein forms W32*.
Identifiers: ClinVar variation 4631478 (VCV004631478.2).
Genomic context (GRCh38, chr1:193,122,296, plus strand): 5'-CATCCAGAAGAAGGAGATTGTGGTGAAGGGAGACGAAGTGATCTTCGGGGAGTTCTCCTG[G>A]CCCAAGAATGTGAAGACCAACTATGTTGTTTGGGGGTAAGTCCGGCATGGCTGTGGCCCA-3'